The following is an entry in ClinVar:

ClinVar aggregate classification (germline): Uncertain significance (1 of 4 stars; one submission).

Conditions:
Neurodevelopmental disorder with central hypotonia and dysmorphic facies (NEDCHF). Identifiers: MedGen C5676944, MONDO:0859232, OMIM 619797.

Allele frequency attached by ClinVar (database versions not stated): gnomAD exomes below 0.00001; gnomAD 0.00001.
gnomAD v4.1: 5 of 1,613,822 alleles (0.00031%); highest among the groups gnomAD compares: Admixed American, 0.0017%; no homozygotes.

Submission:

MVZ Medizinische Genetik Mainz
Classification: Uncertain significance for Neurodevelopmental disorder with central hypotonia and dysmorphic facies. Last evaluated: 2024-03-04. Review status: criteria provided, single submitter. Criteria: UK Practice Guidelines For Variant Classification V4 01 2020. Collection method: clinical testing. Allele origin: germline. Inheritance: Autosomal dominant inheritance. Affected: yes. Observed: 1 variant allele.
Comment: ACMG Criteria: PM2_SUP,PP3

NM_001378414.1(HDAC4):c.2189C>T (p.Thr730Met)

Gene: HDAC4 (histone deacetylase 4; minus strand). Cytogenetic location: 2q37.3.
Variant type: single nucleotide variant.
Coding change: c.2189C>T on transcript NM_001378414.1 (MANE Select); coding-DNA position 2189, C replaced by T.
Protein change: p.Thr730Met; replaces threonine 730 with methionine.
Molecular consequence: missense variant.
Genome position (GRCh38, 1-based): chr2:239,102,820, G>A on the plus strand (C>T on the coding strand, the complement: HDAC4 is on the minus strand). VCF-style: chr2-239102820-G-A. GRCh37 (hg19) VCF-style: chr2-240024516-G-A.
Other names: c.2189C>T, p.Thr730Met (NM_001378415.1); c.2174C>T, p.Thr725Met (NM_001378416.1, NM_001378417.1, NM_006037.4); short protein forms T725M, T730M.
Identifiers: ClinVar variation 3066196 (VCV003066196.1), dbSNP rs2037782730, ClinGen allele CA351267635.